The following is an entry in ClinVar:

NM_018089.3(ANKZF1):c.761G>A (p.Gly254Glu)

Gene: ANKZF1 (ankyrin repeat and zinc finger peptidyl tRNA hydrolase 1; plus strand). Cytogenetic location: 2q35.
Variant type: single nucleotide variant.
Coding change: c.761G>A on transcript NM_018089.3 (MANE Select); coding-DNA position 761, G replaced by A.
Protein change: p.Gly254Glu; replaces glycine 254 with glutamic acid.
Molecular consequence: missense variant.
Genome position (GRCh38, 1-based): chr2:219,233,375, G>A. VCF-style: chr2-219233375-G-A. GRCh37 (hg19) VCF-style: chr2-220098097-G-A.
Other names: c.761G>A, p.Gly254Glu (NM_001042410.2); c.131G>A, p.Gly44Glu (NM_001282792.2); short protein forms G44E, G254E.
Identifiers: ClinVar variation 2176412 (VCV002176412.4), dbSNP rs770403454, ClinGen allele CA2120854.

ClinVar aggregate classification (germline): Uncertain significance (1 of 4 stars; one submission).

Allele frequency attached by ClinVar (database versions not stated): gnomAD exomes 0.00001; ExAC 0.00002.
gnomAD v4.1: 15 of 1,614,218 alleles (0.00093%); highest among the groups gnomAD compares: Non-Finnish European, 0.0012%; no homozygotes.

Submission:

Labcorp Genetics (formerly Invitae), Labcorp
Classification: Uncertain significance. Last evaluated: 2025-08-23. Review status: criteria provided, single submitter. Criteria: Invitae Variant Classification Sherloc (09022015). Collection method: clinical testing. Allele origin: germline.
Comment: This sequence change replaces glycine, which is neutral and non-polar, with glutamic acid, which is acidic and polar, at codon 254 of the ANKZF1 protein (p.Gly254Glu). This variant is present in population databases (rs770403454, gnomAD 0.003%). This variant has not been reported in the literature in individuals affected with ANKZF1-related conditions. ClinVar contains an entry for this variant (Variation ID: 2176412). An algorithm developed to predict the effect of missense changes on protein structure and function (PolyPhen-2) suggests that this variant is likely to be tolerated. In summary, the available evidence is currently insufficient to determine the role of this variant in disease. Therefore, it has been classified as a Variant of Uncertain Significance.